The following is an entry in ClinVar:

NM_078470.6(COX15):c.-23G>T

Gene: COX15 (cytochrome c oxidase assembly factor COX15; minus strand). Cytogenetic location: 10q24.2.
Variant type: single nucleotide variant.
Coding change: c.-23G>T on transcript NM_078470.6 (MANE Select); 23 bases upstream of the start codon, G replaced by T.
Molecular consequence: 5 prime UTR variant. On other transcripts: non-coding transcript variant (1).
Genome position (GRCh38, 1-based): chr10:99,732,072, C>A on the plus strand (G>T on the coding strand, the complement: COX15 is on the minus strand). VCF-style: chr10-99732072-C-A. GRCh37 (hg19) VCF-style: chr10-101491829-C-A.
Other names: c.-23G>T (NM_001320974.2, NM_001320975.2, NM_001372024.1 and 5 more transcripts); c.-477G>T (NM_001320976.2).
Identifiers: ClinVar variation 137011 (VCV000137011.5), dbSNP rs2231678, ClinGen allele CA290482.
Genomic context (GRCh38, chr10:99,732,072, plus strand): 5'-TTCAAGGCCCTCAACGGCGGAAAGAGCAATCGCTGCATACTGATGACAGGGAACAGCCAC[C>A]TCTTCCACAACCCAGGGCTCTGTGGTCTCCCTCCTCCGCCAAGGAAAAGAGAAGCACTTC-3'

ClinVar aggregate classification (germline): Conflicting classifications of pathogenicity. Review status: criteria provided, conflicting classifications (1 of 4 stars). 2 submissions from 2 submitters: Uncertain significance (1); Benign (1). Last evaluated 2017-04-27.

Conditions:
Leigh syndrome (NULS). Also called: Leigh Disease; Subacute necrotizing encephalopathy; Necrotizing encephalopathy infantile subacute of Leigh; Leigh Syndrome (mtDNA deletion); Leigh's syndrome; LEIGH SYNDROME, NUCLEAR. Identifiers: Orphanet 506, MedGen C2931891, MONDO:0009723, OMIM 256000.

Allele frequency attached by ClinVar (database versions not stated): gnomAD exomes 0.00180; ExAC 0.00285; 1000 Genomes Project 0.00639; 1000 Genomes Project 30x 0.00703; gnomAD 0.00712 and 0.00765; ESP Exome Variant Server 0.00761; TOPMed 0.00822.
gnomAD v4.1: 2,405 of 1,608,168 alleles (0.15%); highest among the groups gnomAD compares: African/African-American, 2.4%; 6 homozygotes.

Submissions (2):

Illumina Laboratory Services, Illumina
Classification: Uncertain significance for Leigh syndrome. Last evaluated: 2017-04-27. Review status: criteria provided, single submitter. Criteria: ICSL Variant Classification Criteria 13 December 2019. Collection method: clinical testing. Allele origin: germline.

GeneDx
Classification: Benign. Last evaluated: 2013-04-17. Review status: criteria provided, single submitter. Criteria: GeneDx Variant Classification (06012015). Collection method: clinical testing. Allele origin: germline. Affected: yes.
Comment: This variant is considered likely benign or benign based on one or more of the following criteria: it is a conservative change, it occurs at a poorly conserved position in the protein, it is predicted to be benign by multiple in silico algorithms, and/or has population frequency not consistent with disease.